The following is an entry in ClinVar:

ClinVar aggregate classification (germline): Likely benign (1 of 4 stars; one submission).

Submission:

CeGaT Center for Human Genetics Tuebingen
Classification: Likely benign. Last evaluated: 2025-06-01. Review status: criteria provided, single submitter. Criteria: CeGaT Center For Human Genetics Tuebingen Variant Classification Criteria Version 2. Collection method: clinical testing. Allele origin: germline. Affected: yes. Observed: 1 variant allele.
Comment: MPP4: PM2:Supporting, BP4, BP7

NM_033066.3(MPP4):c.852C>T (p.Ala284=)

Gene: MPP4 (MAGUK p55 scaffold protein 4; minus strand). Cytogenetic location: 2q33.1.
Variant type: single nucleotide variant.
Coding change: c.852C>T on transcript NM_033066.3 (MANE Select); coding-DNA position 852, C replaced by T.
Protein change: p.Ala284=; no amino-acid change (alanine 284 retained).
Molecular consequence: synonymous variant.
Genome position (GRCh38, 1-based): chr2:201,680,915, G>A on the plus strand (C>T on the coding strand, the complement: MPP4 is on the minus strand). VCF-style: chr2-201680915-G-A. GRCh37 (hg19) VCF-style: chr2-202545638-G-A.
Identifiers: ClinVar variation 3905414 (VCV003905414.10).